The following is an entry in ClinVar:

ClinVar aggregate classification (germline): Uncertain significance (1 of 4 stars; one submission).

Conditions:
Familial cancer of breast. Also called: Hereditary breast cancer; BREAST CANCER, FAMILIAL; hereditary breast carcinoma. Identifiers: Orphanet 227535, MedGen C0346153, MONDO:0016419, OMIM 114480. Disease mechanism: loss of function.

Submission:

Labcorp Genetics (formerly Invitae), Labcorp
Classification: Uncertain significance for Familial cancer of breast. Last evaluated: 2023-04-22. Review status: criteria provided, single submitter. Criteria: Invitae Variant Classification Sherloc (09022015). Collection method: clinical testing. Allele origin: germline.
Comment: This sequence change replaces alanine, which is neutral and non-polar, with valine, which is neutral and non-polar, at codon 1130 of the PALB2 protein (p.Ala1130Val). This variant is not present in population databases (gnomAD no frequency). This variant has not been reported in the literature in individuals affected with PALB2-related conditions. An algorithm developed to predict the effect of missense changes on protein structure and function (PolyPhen-2) suggests that this variant is likely to be disruptive. In summary, the available evidence is currently insufficient to determine the role of this variant in disease. Therefore, it has been classified as a Variant of Uncertain Significance.

NM_024675.4(PALB2):c.3389C>T (p.Ala1130Val)

Gene: PALB2 (partner and localizer of BRCA2; minus strand). Cytogenetic location: 16p12.2.
Variant type: single nucleotide variant.
Coding change: c.3389C>T on transcript NM_024675.4 (MANE Select); coding-DNA position 3389, C replaced by T.
Protein change: p.Ala1130Val; replaces alanine 1130 with valine.
Molecular consequence: missense variant. On other transcripts: 3 prime UTR variant (5).
Genome position (GRCh38, 1-based): chr16:23,603,631, G>A on the plus strand (C>T on the coding strand, the complement: PALB2 is on the minus strand). VCF-style: chr16-23603631-G-A. GRCh37 (hg19) VCF-style: chr16-23614952-G-A.
Other names: c.3329C>T, p.Ala1110Val (NM_001407296.1); c.3317C>T, p.Ala1106Val (NM_001407297.1); c.3227C>T, p.Ala1076Val (NM_001407298.1); c.3152C>T, p.Ala1051Val (NM_001407299.1); c.3110C>T, p.Ala1037Val (NM_001407300.1); c.*24C>T (NM_001407301.1, NM_001407302.1, NM_001407310.1 and 2 more transcripts); c.2504C>T, p.Ala835Val (NM_001407304.1, NM_001407305.1, NM_001407306.1); c.2342C>T, p.Ala781Val (NM_001407307.1); and 3 more; short protein forms A1106V, A534V, A835V, A1037V, A1076V, A1130V, A308V, A756V.
Identifiers: ClinVar variation 2858150 (VCV002858150.3), dbSNP rs2142254891, ClinGen allele CA395138268.